The following is an entry in ClinVar:

NM_017849.4(TMEM127):c.484A>C (p.Lys162Gln)

Gene: TMEM127 (transmembrane protein 127; minus strand). Cytogenetic location: 2q11.2.
Variant type: single nucleotide variant.
Coding change: c.484A>C on transcript NM_017849.4 (MANE Select); coding-DNA position 484, A replaced by C.
Protein change: p.Lys162Gln; replaces lysine 162 with glutamine.
Molecular consequence: missense variant.
Genome position (GRCh38, 1-based): chr2:96,254,041, T>G on the plus strand (A>C on the coding strand, the complement: TMEM127 is on the minus strand). VCF-style: chr2-96254041-T-G. GRCh37 (hg19) VCF-style: chr2-96919779-T-G.
Other names: c.484A>C, p.Lys162Gln (NM_001193304.3); c.232A>C, p.Lys78Gln (NM_001407282.1, NM_001407283.1); short protein forms K78Q, K162Q.
Identifiers: ClinVar variation 2622678 (VCV002622678.3), dbSNP rs1684150584, ClinGen allele CA347652801.

ClinVar aggregate classification (germline): Uncertain significance (1 of 4 stars; one submission).

Conditions:
Hereditary cancer-predisposing syndrome. Also called: Tumor predisposition; Hereditary Cancer Syndrome; Hereditary neoplastic syndrome; Neoplastic Syndromes, Hereditary. Identifiers: Orphanet 140162, MedGen C0027672, MeSH D009386, MONDO:0015356.

Allele frequency attached by ClinVar (database versions not stated): TOPMed below 0.00001.

Submission:

Ambry Genetics
Classification: Uncertain significance for Hereditary cancer-predisposing syndrome. Last evaluated: 2025-09-12. Review status: criteria provided, single submitter. Criteria: Ambry Variant Classification Scheme 2023. Collection method: clinical testing. Allele origin: germline.
Comment: The p.K162Q variant (also known as c.484A>C), located in coding exon 3 of the TMEM127 gene, results from an A to C substitution at nucleotide position 484. The lysine at codon 162 is replaced by glutamine, an amino acid with similar properties. This amino acid position is conserved. In addition, the in silico prediction for this alteration is inconclusive. Based on the available evidence, the clinical significance of this variant remains unclear.